The following is an entry in ClinVar:

NM_005876.5(SPEG):c.6103G>A (p.Ala2035Thr)

Genes: ASIC4-AS1 (ASIC4 antisense RNA 1; minus strand), SPEG (striated muscle enriched protein kinase; plus strand). Cytogenetic location: 2q35.
Variant type: single nucleotide variant.
Coding change: c.6103G>A on transcript NM_005876.5 (MANE Select); coding-DNA position 6103, G replaced by A.
Protein change: p.Ala2035Thr; replaces alanine 2035 with threonine.
Molecular consequence: missense variant.
Genome position (GRCh38, 1-based): chr2:219,483,566, G>A. VCF-style: chr2-219483566-G-A. GRCh37 (hg19) VCF-style: chr2-220348288-G-A.
Other names: short protein forms A2035T.
Identifiers: ClinVar variation 2119448 (VCV002119448.4), dbSNP rs2545928496, ClinGen allele CA350696586.

ClinVar aggregate classification (germline): Uncertain significance (1 of 4 stars; one submission).

Submission:

Labcorp Genetics (formerly Invitae), Labcorp
Classification: Uncertain significance. Last evaluated: 2022-04-06. Review status: criteria provided, single submitter. Criteria: Invitae Variant Classification Sherloc (09022015). Collection method: clinical testing. Allele origin: germline.
Comment: This variant has not been reported in the literature in individuals affected with SPEG-related conditions. This variant is not present in population databases (gnomAD no frequency). This sequence change replaces alanine, which is neutral and non-polar, with threonine, which is neutral and polar, at codon 2035 of the SPEG protein (p.Ala2035Thr). Algorithms developed to predict the effect of missense changes on protein structure and function are either unavailable or do not agree on the potential impact of this missense change (SIFT: "Deleterious"; PolyPhen-2: "Benign"; Align-GVGD: "Class C0"). In summary, the available evidence is currently insufficient to determine the role of this variant in disease. Therefore, it has been classified as a Variant of Uncertain Significance.